The following is an entry in ClinVar:

ClinVar aggregate classification (germline): Uncertain significance (1 of 4 stars; one submission).

Submission:

Ambry Genetics
Classification: Uncertain significance. Last evaluated: 2022-06-04. Review status: criteria provided, single submitter. Criteria: Ambry Variant Classification Scheme 2023. Collection method: clinical testing. Allele origin: germline.
Comment: The p.N1063S variant (also known as c.3188A>G), located in coding exon 18 of the PALLD gene, results from an A to G substitution at nucleotide position 3188. The asparagine at codon 1063 is replaced by serine, an amino acid with highly similar properties. This amino acid position is conserved. In addition, this alteration is predicted to be tolerated by in silico analysis. Since supporting evidence is limited at this time, the clinical significance of this alteration remains unclear.

NM_001166108.2(PALLD):c.3239A>G (p.Asn1080Ser)

Genes: CBR4 (carbonyl reductase 4; minus strand), PALLD (palladin, cytoskeletal associated protein; plus strand). Cytogenetic location: 4q32.3.
Variant type: single nucleotide variant.
Coding change: c.3239A>G on transcript NM_001166108.2 (MANE Select); coding-DNA position 3239, A replaced by G.
Protein change: p.Asn1080Ser; replaces asparagine 1080 with serine.
Molecular consequence: missense variant.
Genome position (GRCh38, 1-based): chr4:168,924,959, A>G. VCF-style: chr4-168924959-A-G. GRCh37 (hg19) VCF-style: chr4-169846110-A-G.
Other names: c.2042A>G, p.Asn681Ser (NM_001166109.2); c.1727A>G, p.Asn576Ser (NM_001166110.2); c.1067A>G, p.Asn356Ser (NM_001367567.1, NM_001367569.1); c.1118A>G, p.Asn373Ser (NM_001367568.1, NM_001367570.1); c.3188A>G, p.Asn1063Ser (NM_016081.4); short protein forms N356S, N681S, N1063S, N1080S, N576S, N373S.
Identifiers: ClinVar variation 1728605 (VCV001728605.2), dbSNP rs1582249408, ClinGen allele CA358713513.